The following is an entry in ClinVar:

ClinVar aggregate classification (germline): Benign/Likely benign. Review status: criteria provided, multiple submitters, no conflicts (2 of 4 stars). 11 submissions from 9 submitters: Benign (6); Likely benign (4). 1 of the submissions does not count toward it. Last evaluated 2026-02-01.

Conditions:
Usher syndrome type 1 (USH1). Also called: RETINITIS PIGMENTOSA AND CONGENITAL DEAFNESS. Identifiers: Orphanet 231169, Orphanet 886, MedGen C1568247, MONDO:0010168, OMIM 276900.
Usher syndrome type 1B (USH1B). Also called: Usher syndrome type IB. Identifiers: MedGen C1848638, MONDO:0700087.
Autosomal recessive nonsyndromic hearing loss 2. Also called: DEAFNESS, AUTOSOMAL RECESSIVE 2; NEUROSENSORY NONSYNDROMIC RECESSIVE DEAFNESS 2. Identifiers: Orphanet 90636, MedGen C1838701, MONDO:0010807, OMIM 600060.
Autosomal dominant nonsyndromic hearing loss 11. Identifiers: Orphanet 90635, MedGen C1832475, MONDO:0011032, OMIM 601317.

Allele frequency attached by ClinVar (database versions not stated): 1000 Genomes Project 0.01657; TOPMed 0.01665; 1000 Genomes Project 30x 0.01765.
gnomAD v4.1: 4,418 of 1,610,834 alleles (0.27%); highest among the groups gnomAD compares: African/African-American, 5.3%; 96 homozygotes.

Submissions (11):

Labcorp Genetics (formerly Invitae), Labcorp
Classification: Benign. Last evaluated: 2026-02-01. Review status: criteria provided, single submitter. Criteria: Invitae Variant Classification Sherloc (09022015). Collection method: clinical testing. Allele origin: germline.

Mayo Clinic Laboratories, Mayo Clinic
Classification: Benign. Last evaluated: 2024-10-28. Review status: criteria provided, single submitter. Criteria: ACMG Guidelines, 2015. Collection method: clinical testing. Allele origin: germline. Observed: 3 variant alleles.

Athena Diagnostics
Classification: Benign. Last evaluated: 2019-09-30. Review status: criteria provided, single submitter. Criteria: Athena Diagnostics Criteria. Collection method: clinical testing. Allele origin: unknown.

GeneDx
Classification: Benign. Last evaluated: 2017-05-09. Review status: criteria provided, single submitter. Criteria: GeneDx Variant Classification (06012015). Collection method: clinical testing. Allele origin: germline. Affected: yes.
Comment: This variant is considered likely benign or benign based on one or more of the following criteria: it is a conservative change, it occurs at a poorly conserved position in the protein, it is predicted to be benign by multiple in silico algorithms, and/or has population frequency not consistent with disease.

Illumina Laboratory Services, Illumina
Classification: Likely benign for Autosomal recessive nonsyndromic hearing loss 2. Last evaluated: 2017-04-27. Review status: criteria provided, single submitter. Criteria: ICSL Variant Classification Criteria 13 December 2019. Collection method: clinical testing. Allele origin: germline.
Comment: This variant was observed as part of a predisposition screen in an ostensibly healthy population. A literature search was performed for the gene, cDNA change, and amino acid change (where applicable). No publications were found based on this search. Allele frequency data from public databases allowed determination this variant is unlikely to cause disease. Therefore, this variant is classified as likely benign.

Illumina Laboratory Services, Illumina
Classification: Likely benign for Usher syndrome type 1. Last evaluated: 2017-04-27. Review status: criteria provided, single submitter. Criteria: ICSL Variant Classification Criteria 13 December 2019. Collection method: clinical testing. Allele origin: germline.
Comment: the same text as in the submission from Illumina Laboratory Services, Illumina above.

Illumina Laboratory Services, Illumina
Classification: Likely benign for Autosomal dominant nonsyndromic hearing loss 11. Last evaluated: 2017-04-27. Review status: criteria provided, single submitter. Criteria: ICSL Variant Classification Criteria 13 December 2019. Collection method: clinical testing. Allele origin: germline.
Comment: the same text as in the submission from Illumina Laboratory Services, Illumina above.

Laboratory for Molecular Medicine, Mass General Brigham Personalized Medicine
Classification: Benign. Last evaluated: 2009-12-09. Review status: criteria provided, single submitter. Criteria: LMM Criteria. Collection method: clinical testing. Allele origin: germline. Observed: 19 variant alleles.
Comment: Cys31Cys in Exon 3 of MYO7A: This variant is not expected to have clinical signi ficance because it does not alter an amino acid residue, is not located near a s plice site, and has been identified in 5.5% (234/4260) of African American chrom osomes by the NHLBI Exome sequencing project (dbSNP rs35689081).

Breakthrough Genomics
Classification: Likely benign. Review status: criteria provided, single submitter. Criteria: ACMG Guidelines, 2015. Collection method: not provided. Allele origin: germline. Inheritance: Autosomal recessive inheritance. Affected: yes.

PreventionGenetics, part of Exact Sciences
Classification: Benign. Review status: criteria provided, single submitter. Criteria: ACMG Guidelines, 2015. Collection method: clinical testing. Allele origin: germline.

Natera, Inc.
Classification: Benign for Usher syndrome type 1B. Last evaluated: 2020-09-16. Review status: no assertion criteria provided. Collection method: clinical testing. Allele origin: germline. Not counted in ClinVar's aggregate classification.

NM_000260.4(MYO7A):c.93C>T (p.Cys31=)

Gene: MYO7A (myosin VIIA; plus strand). Cytogenetic location: 11q13.5.
Variant type: single nucleotide variant.
Coding change: c.93C>T on transcript NM_000260.4 (MANE Select); coding-DNA position 93, C replaced by T.
Protein change: p.Cys31=; no amino-acid change (cysteine 31 retained).
Molecular consequence: synonymous variant.
Genome position (GRCh38, 1-based): chr11:77,142,783, C>T. VCF-style: chr11-77142783-C-T. GRCh37 (hg19) VCF-style: chr11-76853829-C-T.
Other names: p.Cys31=; c.93C>T, p.Cys31= (NM_001127180.2); c.60C>T, p.Cys20= (NM_001369365.1).
Identifiers: ClinVar variation 43344 (VCV000043344.23), dbSNP rs35689081, ClinGen allele CA132456.